The following is an entry in ClinVar:

ClinVar aggregate classification (germline): Likely pathogenic (1 of 4 stars; one submission).

gnomAD v4.1: 3 of 1,612,530 alleles (0.00019%); highest among the groups gnomAD compares: Non-Finnish European, 0.00025%; no homozygotes.

Submission:

Labcorp Genetics (formerly Invitae), Labcorp
Classification: Likely pathogenic. Last evaluated: 2023-12-09. Review status: criteria provided, single submitter. Criteria: Invitae Variant Classification Sherloc (09022015). Collection method: clinical testing. Allele origin: germline.
Comment: This sequence change affects a donor splice site in intron 37 of the FRAS1 gene. It is expected to disrupt RNA splicing. Variants that disrupt the donor or acceptor splice site typically lead to a loss of protein function (PMID: 16199547), and loss-of-function variants in FRAS1 are known to be pathogenic (PMID: 12766769, 18671281). This variant is not present in population databases (gnomAD no frequency). This variant has not been reported in the literature in individuals affected with FRAS1-related conditions. Algorithms developed to predict the effect of sequence changes on RNA splicing suggest that this variant may disrupt the consensus splice site. In summary, the currently available evidence indicates that the variant is pathogenic, but additional data are needed to prove that conclusively. Therefore, this variant has been classified as Likely Pathogenic.

Literature cited by the submitters: PubMed 16199547; PubMed 12766769; PubMed 18671281.

NM_025074.7(FRAS1):c.4969+2T>G

Gene: FRAS1 (Fraser extracellular matrix complex subunit 1; plus strand). Cytogenetic location: 4q21.21.
Variant type: single nucleotide variant.
Coding change: c.4969+2T>G on transcript NM_025074.7 (MANE Select); the canonical splice donor site of the intron after coding-DNA position 4969, T replaced by G.
Molecular consequence: splice donor variant.
Genome position (GRCh38, 1-based): chr4:78,430,419, T>G. VCF-style: chr4-78430419-T-G. GRCh37 (hg19) VCF-style: chr4-79351573-T-G.
Other names: c.4969+2T>G (NM_001166133.2).
Identifiers: ClinVar variation 2701864 (VCV002701864.3), dbSNP rs2477149824, ClinGen allele CA357385283.